The following is an entry in ClinVar:

ClinVar aggregate classification (germline): Likely benign. Review status: criteria provided, multiple submitters, no conflicts (2 of 4 stars). 5 submissions from 5 submitters: Likely benign (5). Last evaluated 2025-08-02.

Conditions:
Hereditary cancer-predisposing syndrome. Also called: Hereditary neoplastic syndrome; Neoplastic Syndromes, Hereditary; Tumor predisposition; Hereditary Cancer Syndrome. Identifiers: Orphanet 140162, MedGen C0027672, MeSH D009386, MONDO:0015356.
Familial adenomatous polyposis 1 (FAP1). Also called: FAMILIAL ADENOMATOUS POLYPOSIS 1, ATTENUATED; POLYPOSIS, ADENOMATOUS INTESTINAL. Identifiers: MedGen C2713442, MONDO:0021056, OMIM 175100. Disease mechanism: loss of function.

Allele frequency attached by ClinVar (database versions not stated): gnomAD 0.00002; gnomAD exomes 0.00002 and 0.00004; ExAC 0.00005; 1000 Genomes Project 30x 0.00047; 1000 Genomes Project 0.00060.
gnomAD v4.1: 30 of 1,614,242 alleles (0.0019%); highest among the groups gnomAD compares: South Asian, 0.021%; no homozygotes.

Submissions (5):

Labcorp Genetics (formerly Invitae), Labcorp
Classification: Likely benign for Familial adenomatous polyposis 1. Last evaluated: 2025-08-02. Review status: criteria provided, single submitter. Criteria: Invitae Variant Classification Sherloc (09022015). Collection method: clinical testing. Allele origin: germline.

Mendelics
Classification: Likely benign for Familial adenomatous polyposis 1. Last evaluated: 2025-06-23. Review status: criteria provided, single submitter. Criteria: ACMG Guidelines, 2015. Collection method: clinical testing. Allele origin: unknown.
Comment: This variant is considered likely benign or benign based on one or more of the following: it is predicted to be benign by multiple in silico algorithms, and/or has population frequency not consistent with disease, and/or has normal protein function, and/or has lack of segregation with disease, and/or has been detected in co-occurrence with known pathogenic variant, and/or has lack of disease association in case-control studies, and/or is located in a region inconsistent with a known cause of pathogenicity.

Myriad Genetics, Inc.
Classification: Likely benign for Familial adenomatous polyposis 1. Last evaluated: 2025-01-29. Review status: criteria provided, single submitter. Criteria: Myriad Autosomal Dominant, Autosomal Recessive and X-Linked Classification Criteria (2023). Collection method: clinical testing. Allele origin: unknown.
Comment: This variant is considered likely benign. This variant has been observed at a population frequency that is significantly greater than expected given the associated disease prevalence and penetrance.

Color Diagnostics, LLC DBA Color Health
Classification: Likely benign for Hereditary cancer-predisposing syndrome. Last evaluated: 2024-09-24. Review status: criteria provided, single submitter. Criteria: ACMG Guidelines, 2015. Collection method: clinical testing. Allele origin: germline.

Ambry Genetics
Classification: Likely benign for Hereditary cancer-predisposing syndrome. Last evaluated: 2015-08-31. Review status: criteria provided, single submitter. Criteria: Ambry Variant Classification Scheme 2023. Collection method: clinical testing. Allele origin: germline.

NM_000038.6(APC):c.2948T>C (p.Ile983Thr)

Gene: APC (APC regulator of Wnt signaling pathway; plus strand). Cytogenetic location: 5q22.2.
Variant type: single nucleotide variant.
Coding change: c.2948T>C on transcript NM_000038.6 (MANE Select); coding-DNA position 2948, T replaced by C.
Protein change: p.Ile983Thr; replaces isoleucine 983 with threonine.
Molecular consequence: missense variant.
Genome position (GRCh38, 1-based): chr5:112,838,542, T>C. VCF-style: chr5-112838542-T-C. GRCh37 (hg19) VCF-style: chr5-112174239-T-C.
Other names: c.2948T>C, p.Ile983Thr (NM_001127510.3, NM_001354895.2); c.2894T>C, p.Ile965Thr (NM_001127511.3); c.3002T>C, p.Ile1001Thr (NM_001354896.2); c.2978T>C, p.Ile993Thr (NM_001354897.2); c.2873T>C, p.Ile958Thr (NM_001354898.2); c.2864T>C, p.Ile955Thr (NM_001354899.2); c.2825T>C, p.Ile942Thr (NM_001354900.2); c.2771T>C, p.Ile924Thr (NM_001354901.2); and 5 more; short protein forms I965T, I983T, I823T, I942T, I993T, I700T, I882T, I892T.
Identifiers: ClinVar variation 185191 (VCV000185191.22), dbSNP rs113674464, ClinGen allele CA007931.